The following is an entry in ClinVar:

ClinVar aggregate classification (germline): Uncertain significance (1 of 4 stars; one submission).

Conditions:
Cornelia de Lange syndrome 1 (CDLS1). Also called: TYPUS DEGENERATIVUS AMSTELODAMENSIS; Brachmann de Lange syndrome; NIPBL-Related Cornelia de Lange Syndrome. Identifiers: Orphanet 199, MedGen C4551851, MONDO:0007387, OMIM 122470.

Submission:

Dasa
Classification: Uncertain significance for Cornelia de Lange syndrome 1. Last evaluated: 2025-07-08. Review status: criteria provided, single submitter. Criteria: DASA Assertion Criteria. Collection method: clinical testing. Allele origin: germline.
Comment: NM_133433.4(NIPBL):c.1568C>G (p.Pro523Arg) is a missense variant that results in the substitution of proline with arginine. This variant is absent from population databases. Computational prediction algorithms are consistent with a benign effect. The currently available literature and clinical evidence are not sufficient to establish a definitive association between this variant and the reported condition. Therefore, this variant is classified as a variant of uncertain significance.

NM_133433.4(NIPBL):c.1568C>G (p.Pro523Arg)

Gene: NIPBL (NIPBL cohesin loading factor; plus strand). Cytogenetic location: 5p13.2.
Variant type: single nucleotide variant.
Coding change: c.1568C>G on transcript NM_133433.4 (MANE Select); coding-DNA position 1568, C replaced by G.
Protein change: p.Pro523Arg; replaces proline 523 with arginine.
Molecular consequence: missense variant.
Genome position (GRCh38, 1-based): chr5:36,984,748, C>G. VCF-style: chr5-36984748-C-G. GRCh37 (hg19) VCF-style: chr5-36984850-C-G.
Other names: c.1568C>G, p.Pro523Arg (NM_001438586.1, NM_015384.5); short protein forms P523R.
Identifiers: ClinVar variation 4881045 (VCV004881045.2).